The following is an entry in ClinVar:

ClinVar aggregate classification (germline): Uncertain significance (1 of 4 stars; one submission).

Conditions:
Inborn genetic diseases. Identifiers: MedGen C0950123, MeSH D030342.

Submission:

Ambry Genetics
Classification: Uncertain significance for Inborn genetic diseases. Last evaluated: 2025-01-31. Review status: criteria provided, single submitter. Criteria: Ambry Variant Classification Scheme 2023. Collection method: clinical testing. Allele origin: germline.
Comment: The p.H716L variant (also known as c.2147A>T), located in coding exon 23 of the FANCA gene, results from an A to T substitution at nucleotide position 2147. The histidine at codon 716 is replaced by leucine, an amino acid with similar properties. This amino acid position is conserved. In addition, this alteration is predicted to be tolerated by in silico analysis. Based on the available evidence, the clinical significance of this variant remains unclear.

NM_000135.4(FANCA):c.2147A>T (p.His716Leu)

Gene: FANCA (FA complementation group A; minus strand). Cytogenetic location: 16q24.3.
Variant type: single nucleotide variant.
Coding change: c.2147A>T on transcript NM_000135.4 (MANE Select); coding-DNA position 2147, A replaced by T.
Protein change: p.His716Leu; replaces histidine 716 with leucine.
Molecular consequence: missense variant.
Genome position (GRCh38, 1-based): chr16:89,771,682, T>A on the plus strand (A>T on the coding strand, the complement: FANCA is on the minus strand). VCF-style: chr16-89771682-T-A. GRCh37 (hg19) VCF-style: chr16-89838090-T-A.
Other names: c.2147A>T, p.His716Leu (NM_001286167.3); short protein forms H716L.
Identifiers: ClinVar variation 3848161 (VCV003848161.1).